The following is an entry in ClinVar:

NM_000256.3(MYBPC3):c.3434_3437dup (p.Phe1147fs)

Gene: MYBPC3 (myosin binding protein C3; minus strand). Cytogenetic location: 11p11.2.
Variant type: Duplication.
Coding change: c.3434_3437dup on transcript NM_000256.3 (MANE Select); coding-DNA positions 3434 to 3437, 4 bases duplicated (TTGG; older notation c.3434_3437dupTTGG).
Protein change: p.Phe1147fs; shifts the reading frame from phenylalanine 1147.
Molecular consequence: frameshift variant.
Genome position (GRCh38, 1-based): chr11:47,332,867-47,332,870, CCAA duplicated on the plus strand (TTGG on the coding strand, the reverse complement: MYBPC3 is on the minus strand); duplicating any 4 consecutive bases within chr11:47,332,867-47,332,873 gives the same sequence; the c. name uses the placement nearest the transcript's 3' end. VCF-style (leftmost placement, unchanged base first): chr11-47332866-G-GCCAA. GRCh37 (hg19) VCF-style: chr11-47354417-G-GCCAA.
Other names: short protein forms F1147fs.
Identifiers: ClinVar variation 4709824 (VCV004709824.1).
Genomic context (GRCh38, chr11:47,332,866, plus strand): 5'-TACAGCACCTGGTCTGGGGATAAAGACGGGCTCCTTGGTGGTGGCCGCTCTGTCACTAAA[G>GCCAA]CCAACCATATTCTGGCTGAAGACGCGGAAGTAGTAGCCATTGCCAATGATGAGCTCTGGC-3'

ClinVar aggregate classification (germline): Pathogenic (1 of 4 stars; one submission).

Conditions:
Hypertrophic cardiomyopathy. Also called: HYPERTROPHIC MYOCARDIOPATHY. Identifiers: Orphanet 217569, MedGen C0007194, MeSH D002312, MONDO:0005045, HP:0001639.

Submission:

Labcorp Genetics (formerly Invitae), Labcorp
Classification: Pathogenic for Hypertrophic cardiomyopathy. Last evaluated: 2025-07-15. Review status: criteria provided, single submitter. Criteria: Invitae Variant Classification Sherloc (09022015). Collection method: clinical testing. Allele origin: germline.
Comment: This sequence change creates a premature translational stop signal (p.Phe1147Trpfs*3) in the MYBPC3 gene. It is expected to result in an absent or disrupted protein product. Loss-of-function variants in MYBPC3 are known to be pathogenic (PMID: 19574547). This variant is not present in population databases (gnomAD no frequency). This variant has not been reported in the literature in individuals affected with MYBPC3-related conditions. Algorithms developed to predict the effect of sequence changes on RNA splicing suggest that this variant may create or strengthen a splice site. For these reasons, this variant has been classified as Pathogenic.

Literature cited by the submitters: PubMed 19574547.